The following is an entry in ClinVar:

ClinVar aggregate classification (germline): Uncertain significance. Review status: criteria provided, multiple submitters, no conflicts (2 of 4 stars). 3 submissions from 3 submitters: Uncertain significance (3). Last evaluated 2025-01-23.

Conditions:
Hereditary cancer-predisposing syndrome. Also called: Hereditary neoplastic syndrome; Neoplastic Syndromes, Hereditary; Tumor predisposition; Hereditary Cancer Syndrome. Identifiers: Orphanet 140162, MedGen C0027672, MeSH D009386, MONDO:0015356.
Fanconi anemia complementation group J. Also called: BRIP1-Related Fanconi Anemia. Identifiers: Orphanet 84, MedGen C1836860, MONDO:0012187, OMIM 609054.
Familial cancer of breast. Also called: BREAST CANCER, FAMILIAL; Hereditary breast cancer; hereditary breast carcinoma. Identifiers: Orphanet 227535, MedGen C0346153, MONDO:0016419, OMIM 114480. Disease mechanism: loss of function.

Submissions (3):

3billion
Classification: Uncertain significance for Familial cancer of breast. Last evaluated: 2025-01-23. Review status: criteria provided, single submitter. Criteria: ACMG Guidelines, 2015. Collection method: clinical testing. Allele origin: germline. Affected: yes.
Comment: The variant is not observed in the gnomAD v4.1.0 dataset. Predicted Consequence/Location: Missense variant. The majority of the known disease-causing variants of this gene are variants expected to result in premature termination of the protein. In silico tool predictions suggest damaging effect of the variant on gene or gene product [REVEL: 0.20 (>=0.6, sensitivity 0.68 and specificity 0.92); 3Cnet: 0.84 (>=0.6, sensitivity 0.72 and precision 0.9)]. In silico tools predict the variant to alter splicing and produce an abnormal transcript [SpliceAI: 0.41 (>=0.2, moderate evidence for spliceogenicity)]. A different missense change at the same codon (p.Ser380Ile) has been reported to be associated with BRIP1-related disorder (PMID: 35534704). However the evidence of pathogenicity is insufficient at this time. Therefore, this variant is classified as VUS according to the recommendation of ACMG/AMP guideline.

Ambry Genetics
Classification: Uncertain significance for Hereditary cancer-predisposing syndrome. Last evaluated: 2024-01-16. Review status: criteria provided, single submitter. Criteria: Ambry Variant Classification Scheme 2023. Collection method: clinical testing. Allele origin: germline.
Comment: The p.S380G variant (also known as c.1138A>G), located in coding exon 7 of the BRIP1 gene, results from an A to G substitution at nucleotide position 1138. The serine at codon 380 is replaced by glycine, an amino acid with similar properties. This variant was not reported in population based cohorts in the following databases: Database of Single Nucleotide Polymorphisms (dbSNP), NHLBI Exome Sequencing Project (ESP), and 1000 Genomes Project. In the ESP, this variant was not observed in 6503 samples (13006 alleles) with coverage at this position. To date, this alteration has been detected with an allele frequency of approximately 0.001% (greater than 175000 alleles tested) in our clinical cohort. This amino acid position is not well conserved in available vertebrate species. In addition, this alteration is predicted to be tolerated by in silico analysis. Since supporting evidence is limited at this time, the clinical significance of this alteration remains unclear.

Labcorp Genetics (formerly Invitae), Labcorp
Classification: Uncertain significance for Familial cancer of breast; Fanconi anemia complementation group J. Last evaluated: 2022-06-05. Review status: criteria provided, single submitter. Criteria: Invitae Variant Classification Sherloc (09022015). Collection method: clinical testing. Allele origin: germline.
Comment: This sequence change replaces serine, which is neutral and polar, with glycine, which is neutral and non-polar, at codon 380 of the BRIP1 protein (p.Ser380Gly). This variant is not present in population databases (gnomAD no frequency). This variant has not been reported in the literature in individuals affected with BRIP1-related conditions. ClinVar contains an entry for this variant (Variation ID: 480899). Algorithms developed to predict the effect of missense changes on protein structure and function are either unavailable or do not agree on the potential impact of this missense change (SIFT: "Deleterious"; PolyPhen-2: "Benign"; Align-GVGD: "Class C0"). Algorithms developed to predict the effect of sequence changes on RNA splicing suggest that this variant may disrupt the consensus splice site. In summary, the available evidence is currently insufficient to determine the role of this variant in disease. Therefore, it has been classified as a Variant of Uncertain Significance.

Literature cited by the submitters: PubMed 35534704 (cited by 3billion).

NM_032043.3(BRIP1):c.1138A>G (p.Ser380Gly)

Gene: BRIP1 (BRCA1 interacting DNA helicase 1; minus strand). Cytogenetic location: 17q23.2.
Variant type: single nucleotide variant.
Coding change: c.1138A>G on transcript NM_032043.3 (MANE Select); coding-DNA position 1138, A replaced by G.
Protein change: p.Ser380Gly; replaces serine 380 with glycine.
Molecular consequence: missense variant.
Genome position (GRCh38, 1-based): chr17:61,801,255, T>C on the plus strand (A>G on the coding strand, the complement: BRIP1 is on the minus strand). VCF-style: chr17-61801255-T-C. GRCh37 (hg19) VCF-style: chr17-59878616-T-C.
Other names: short protein forms S380G.
Identifiers: ClinVar variation 480899 (VCV000480899.13), dbSNP rs1555607633, ClinGen allele CA400483854.